The following is an entry in ClinVar:

ClinVar aggregate classification (germline): Pathogenic (1 of 4 stars; one submission).

Conditions:
Vici syndrome (VICIS). Identifiers: Orphanet 1493, MedGen C1855772, MONDO:0009452, OMIM 242840.

Submission:

Labcorp Genetics (formerly Invitae), Labcorp
Classification: Pathogenic for Vici syndrome. Last evaluated: 2020-02-23. Review status: criteria provided, single submitter. Criteria: Invitae Variant Classification Sherloc (09022015). Collection method: clinical testing. Allele origin: germline.
Comment: This sequence change creates a premature translational stop signal (p.Glu2386*) in the EPG5 gene. It is expected to result in an absent or disrupted protein product. This variant is not present in population databases (ExAC no frequency). This variant has not been reported in the literature in individuals with EPG5-related conditions. Loss-of-function variants in EPG5 are known to be pathogenic (PMID: 23222957, 23674064). For these reasons, this variant has been classified as Pathogenic.

Literature cited by the submitters: PubMed 23222957; PubMed 23674064.

NM_020964.3(EPG5):c.7156G>T (p.Glu2386Ter)

Gene: EPG5 (ectopic P-granules 5 autophagy tethering factor; minus strand). Cytogenetic location: 18q12.3.
Variant type: single nucleotide variant.
Coding change: c.7156G>T on transcript NM_020964.3 (MANE Select); coding-DNA position 7156, G replaced by T.
Protein change: p.Glu2386Ter; replaces glutamic acid 2386 with a stop codon.
Molecular consequence: nonsense.
Genome position (GRCh38, 1-based): chr18:45,858,636, C>A on the plus strand (G>T on the coding strand, the complement: EPG5 is on the minus strand). VCF-style: chr18-45858636-C-A. GRCh37 (hg19) VCF-style: chr18-43438601-C-A.
Other names: short protein forms E2386*.
Identifiers: ClinVar variation 848258 (VCV000848258.4), dbSNP rs373944025, ClinGen allele CA402336404.